The following is an entry in ClinVar:

NM_000069.3(CACNA1S):c.851C>A (p.Thr284Asn)

Gene: CACNA1S (calcium voltage-gated channel subunit alpha1 S; minus strand). Cytogenetic location: 1q32.1.
Variant type: single nucleotide variant.
Coding change: c.851C>A on transcript NM_000069.3 (MANE Select); coding-DNA position 851, C replaced by A.
Protein change: p.Thr284Asn; replaces threonine 284 with asparagine.
Molecular consequence: missense variant.
Genome position (GRCh38, 1-based): chr1:201,089,307, G>T on the plus strand (C>A on the coding strand, the complement: CACNA1S is on the minus strand). VCF-style: chr1-201089307-G-T. GRCh37 (hg19) VCF-style: chr1-201058435-G-T.
Other names: c.851C>A (NM_000069.2); short protein forms T284N.
Identifiers: ClinVar variation 3073955 (VCV003073955.2), dbSNP rs764819953, ClinGen allele CA344134840.

ClinVar aggregate classification (germline): Uncertain significance. Review status: criteria provided, multiple submitters, no conflicts (2 of 4 stars). 2 submissions from 2 submitters: Uncertain significance (2). Last evaluated 2025-05-06.

Conditions:
Malignant hyperthermia, susceptibility to, 5 (MHS5). Also called: CACNA1S-Related Malignant Hyperthermia Susceptibility. Identifiers: Orphanet 423, MedGen C1866077, MONDO:0011163, OMIM 601887.

Submissions (2):

GeneDx
Classification: Uncertain significance. Last evaluated: 2025-05-06. Review status: criteria provided, single submitter. Criteria: GeneDx Variant Classification Process June 2021. Collection method: clinical testing. Allele origin: germline. Affected: yes.
Comment: Not observed at significant frequency in large population cohorts (gnomAD); In silico analysis supports that this missense variant has a deleterious effect on protein structure/function; Has not been previously published as pathogenic or benign to our knowledge

All of Us Research Program, National Institutes of Health
Classification: Uncertain significance for Malignant hyperthermia, susceptibility to, 5. Last evaluated: 2023-11-30. Review status: criteria provided, single submitter. Criteria: ACMG Guidelines, 2015. Collection method: clinical testing. Allele origin: germline. Inheritance: Autosomal dominant inheritance. Observed: 1 variant allele, 1 heterozygote.
Comment: This study involves interpretation of variants in research participants for the purpose of population health screening. Participant phenotype was not available at the time of variant classification. Additional details can be found in publication PMID: 35346344, PMCID: PMC8962531